The following is an entry in ClinVar:

NM_001081.4(CUBN):c.3829+1G>A

Gene: CUBN (cubilin; minus strand). Cytogenetic location: 10p13.
Variant type: single nucleotide variant.
Coding change: c.3829+1G>A on transcript NM_001081.4 (MANE Select); the canonical splice donor site of the intron after coding-DNA position 3829, G replaced by A.
Molecular consequence: splice donor variant.
Genome position (GRCh38, 1-based): chr10:17,043,826, C>T on the plus strand (G>A on the coding strand, the complement: CUBN is on the minus strand). VCF-style: chr10-17043826-C-T. GRCh37 (hg19) VCF-style: chr10-17085825-C-T.
Identifiers: ClinVar variation 2683622 (VCV002683622.5), dbSNP rs1349644537, ClinGen allele CA376147466.

ClinVar aggregate classification (germline): Pathogenic/Likely pathogenic. Review status: criteria provided, multiple submitters, no conflicts (2 of 4 stars). 2 submissions from 2 submitters: Pathogenic (1); Likely pathogenic (1). Last evaluated 2025-01-06.

Conditions:
Imerslund-Grasbeck syndrome. Also called: ENTEROCYTE COBALAMIN MALABSORPTION; ENTEROCYTE INTRINSIC FACTOR RECEPTOR, DEFECT OF; PERNICIOUS ANEMIA, JUVENILE, DUE TO SELECTIVE INTESTINAL MALABSORPTION OF VITAMIN B12, WITH PROTEINURIA; Imerslund-Gräsbeck syndrome; Megaloblastic anemia due to inborn errors of metabolism. Identifiers: Orphanet 35858, MedGen C4551825, MONDO:0009853.

Allele frequency attached by ClinVar (database versions not stated): TOPMed below 0.00001; gnomAD 0.00001; gnomAD exomes 0.00001.
gnomAD v4.1: 11 of 1,612,380 alleles (0.00068%); highest among the groups gnomAD compares: Non-Finnish European, 0.00093%; no homozygotes.

Submissions (3):

Labcorp Genetics (formerly Invitae), Labcorp
Classification: Pathogenic for Imerslund-Grasbeck syndrome. Last evaluated: 2025-01-06. Review status: criteria provided, single submitter. Criteria: Invitae Variant Classification Sherloc (09022015). Collection method: clinical testing. Allele origin: germline.
Comment: This sequence change affects a donor splice site in intron 26 of the CUBN gene. It is expected to disrupt RNA splicing. Variants that disrupt the donor or acceptor splice site typically lead to a loss of protein function (PMID: 16199547), and loss-of-function variants in CUBN are known to be pathogenic (PMID: 15024727, 22929189, 25349199, 31613795, 34979989). This variant is present in population databases (no rsID available, gnomAD 0.0009%). Disruption of this splice site has been observed in individual(s) with Imerslund-Gräsbeck syndrome (external communication, internal data). In at least one individual the data is consistent with being in trans (on the opposite chromosome) from a pathogenic variant. It has also been observed to segregate with disease in related individuals. ClinVar contains an entry for this variant (Variation ID: 2683622). Algorithms developed to predict the effect of sequence changes on RNA splicing suggest that this variant may disrupt the consensus splice site. For these reasons, this variant has been classified as Pathogenic.

Mayo Clinic Laboratories, Mayo Clinic
Classification: Likely pathogenic. Last evaluated: 2023-01-06. Review status: criteria provided, single submitter. Criteria: ACMG Guidelines, 2015. Collection method: clinical testing. Allele origin: germline. Observed: 1 variant allele.
Comment: PM2, PVS1

Dr. Peter K. Rogan Lab, Western University
No classification provided (evidence only). Condition: Thymoma. Review status: no classification provided. Collection method: in vitro. Allele origin: not applicable. Functional consequence: retained intron. Not counted in ClinVar's aggregate classification.

Literature cited by the submitters: PubMed 16199547 (cited by Labcorp Genetics (formerly Invitae), Labcorp); PubMed 15024727 (cited by Labcorp Genetics (formerly Invitae), Labcorp); PubMed 22929189 (cited by Labcorp Genetics (formerly Invitae), Labcorp); PubMed 25349199 (cited by Labcorp Genetics (formerly Invitae), Labcorp); PubMed 31613795 (cited by Labcorp Genetics (formerly Invitae), Labcorp); PubMed 34979989 (cited by Labcorp Genetics (formerly Invitae), Labcorp).